The following is an entry in ClinVar:

ClinVar aggregate classification (germline): Uncertain significance (1 of 4 stars; one submission).

Conditions:
Severe combined immunodeficiency due to DNA-PKcs deficiency. Also called: Immunodeficiency 26 with or without neurologic abnormalities; IMMUNODEFICIENCY 26 WITH NEUROLOGIC ABNORMALITIES. Identifiers: Orphanet 317425, MedGen C4014833, MONDO:0014423, OMIM 615966.

Submission:

Labcorp Genetics (formerly Invitae), Labcorp
Classification: Uncertain significance for Severe combined immunodeficiency due to DNA-PKcs deficiency. Last evaluated: 2022-06-27. Review status: criteria provided, single submitter. Criteria: Invitae Variant Classification Sherloc (09022015). Collection method: clinical testing. Allele origin: germline.
Comment: This sequence change replaces lysine with glutamine at codon 3646 of the PRKDC protein (p.Lys3646Gln). The lysine residue is weakly conserved and there is a small physicochemical difference between lysine and glutamine. This variant is not present in population databases (gnomAD no frequency). This variant has not been reported in the literature in individuals affected with PRKDC-related conditions. Experimental studies and prediction algorithms are not available or were not evaluated, and the functional significance of this variant is currently unknown. In summary, the available evidence is currently insufficient to determine the role of this variant in disease. Therefore, it has been classified as a Variant of Uncertain Significance.

NM_006904.7(PRKDC):c.10936A>C (p.Lys3646Gln)

Gene: PRKDC (protein kinase, DNA-activated, catalytic subunit; minus strand). Cytogenetic location: 8q11.21.
Variant type: single nucleotide variant.
Coding change: c.10936A>C on transcript NM_006904.7 (MANE Select); coding-DNA position 10936, A replaced by C.
Protein change: p.Lys3646Gln; replaces lysine 3646 with glutamine.
Molecular consequence: missense variant.
Genome position (GRCh38, 1-based): chr8:47,785,284, T>G on the plus strand (A>C on the coding strand, the complement: PRKDC is on the minus strand). VCF-style: chr8-47785284-T-G. GRCh37 (hg19) VCF-style: chr8-48697845-T-G.
Other names: c.10936A>C, p.Lys3646Gln (NM_001081640.2); short protein forms K3646Q.
Identifiers: ClinVar variation 1366994 (VCV001366994.6), dbSNP rs2154497624, ClinGen allele CA371131370.
Genomic context (GRCh38, chr8:47,785,284, plus strand): 5'-GCATGTTGGTAATGTCGTTGAAGTCACTGAGCTTCATTCTCAGTAGTTTAGAACCTCCTT[T>G]CCCAAAATGTTTATCAAATTCTTTTCCAAAAGTCTGAAATTAGTAAGAATTTACTATAAA-3'
Protein context (NP_008835.5, residues 3636-3656): FGKEFDKHFG[Lys3646Gln]GGSKLLRMKL